The following is an entry in ClinVar:

NM_004714.3(DYRK1B):c.606C>A (p.Arg202=)

Gene: DYRK1B (dual specificity tyrosine phosphorylation regulated kinase 1B; minus strand). Cytogenetic location: 19q13.2.
Variant type: single nucleotide variant.
Coding change: c.606C>A on transcript NM_004714.3 (MANE Select); coding-DNA position 606, C replaced by A.
Protein change: p.Arg202=; no amino-acid change (arginine 202 retained).
Molecular consequence: synonymous variant.
Genome position (GRCh38, 1-based): chr19:39,828,498, G>T on the plus strand (C>A on the coding strand, the complement: DYRK1B is on the minus strand). VCF-style: chr19-39828498-G-T. GRCh37 (hg19) VCF-style: chr19-40319138-G-T.
Other names: c.606C>A, p.Arg202= (NM_006483.3, NM_006484.3).
Identifiers: ClinVar variation 3355164 (VCV003355164.1).

ClinVar aggregate classification (germline): Likely benign (0 of 4 stars; one submission).

Conditions:
DYRK1B-related disorder. Also called: DYRK1B-related condition.

Submission:

PreventionGenetics, part of Exact Sciences
Classification: Likely benign for DYRK1B-related condition. Last evaluated: 2021-11-17. Review status: no assertion criteria provided. Collection method: clinical testing. Allele origin: germline.
Comment: This variant is classified as likely benign based on ACMG/AMP sequence variant interpretation guidelines (Richards et al. 2015 PMID: 25741868, with internal and published modifications).